The following is an entry in ClinVar:

ClinVar aggregate classification (germline): Benign/Likely benign. Review status: criteria provided, multiple submitters, no conflicts (2 of 4 stars). 8 submissions from 8 submitters: Benign (4); Likely benign (2). 2 of the submissions do not count toward it. Last evaluated 2026-02-01.

Conditions:
Autosomal recessive limb-girdle muscular dystrophy type 2A (LGMDR1). Also called: LEYDEN-MOEBIUS MUSCULAR DYSTROPHY; MUSCULAR DYSTROPHY, PELVOFEMORAL; Limb-girdle muscular dystrophy, type 2A; Calpainopathy; Muscular dystrophy, limb-girdle, type 2A, Amish. Identifiers: Orphanet 267, MedGen C1869123, MONDO:0009675, OMIM 253600. Disease mechanism: loss of function.

Allele frequency attached by ClinVar (database versions not stated): gnomAD 0.01774; TOPMed 0.01827; ESP Exome Variant Server 0.01884; 1000 Genomes Project 0.01917; 1000 Genomes Project 30x 0.01999.
gnomAD v4.1: 4,880 of 1,614,128 alleles (0.3%); highest among the groups gnomAD compares: African/African-American, 5.9%; 127 homozygotes.

Submissions (8):

Labcorp Genetics (formerly Invitae), Labcorp
Classification: Benign for Autosomal recessive limb-girdle muscular dystrophy type 2A. Last evaluated: 2026-02-01. Review status: criteria provided, single submitter. Criteria: Invitae Variant Classification Sherloc (09022015). Collection method: clinical testing. Allele origin: germline.

Mayo Clinic Laboratories, Mayo Clinic
Classification: Benign. Last evaluated: 2024-08-09. Review status: criteria provided, single submitter. Criteria: ACMG Guidelines, 2015. Collection method: clinical testing. Allele origin: germline. Observed: 7 variant alleles.
Comment: BA1

Illumina Laboratory Services, Illumina
Classification: Likely benign for Limb-girdle muscular dystrophy, type 2A. Last evaluated: 2017-04-28. Review status: criteria provided, single submitter. Criteria: ICSL Variant Classification Criteria 13 December 2019. Collection method: clinical testing. Allele origin: germline.
Comment: This variant was observed as part of a predisposition screen in an ostensibly healthy population. A literature search was performed for the gene, cDNA change, and amino acid change (where applicable). No publications were found based on this search. Allele frequency data from public databases allowed determination this variant is unlikely to cause disease. Therefore, this variant is classified as likely benign.

GeneDx
Classification: Benign. Last evaluated: 2016-03-24. Review status: criteria provided, single submitter. Criteria: GeneDx Variant Classification (06012015). Collection method: clinical testing. Allele origin: germline. Affected: yes.
Comment: This variant is considered likely benign or benign based on one or more of the following criteria: it is a conservative change, it occurs at a poorly conserved position in the protein, it is predicted to be benign by multiple in silico algorithms, and/or has population frequency not consistent with disease.

Breakthrough Genomics
Classification: Likely benign. Review status: criteria provided, single submitter. Criteria: ACMG Guidelines, 2015. Collection method: not provided. Allele origin: germline. Inheritance: Autosomal recessive inheritance. Affected: yes.

PreventionGenetics, part of Exact Sciences
Classification: Benign. Review status: criteria provided, single submitter. Criteria: ACMG Guidelines, 2015. Collection method: clinical testing. Allele origin: germline.

Natera, Inc.
Classification: Benign for Limb-girdle muscular dystrophy type 2A. Last evaluated: 2020-09-16. Review status: no assertion criteria provided. Collection method: clinical testing. Allele origin: germline. Not counted in ClinVar's aggregate classification.

Genetic Services Laboratory, University of Chicago
Classification: Likely benign for AllHighlyPenetrant. Review status: no assertion criteria provided. Collection method: clinical testing. Allele origin: germline. Inheritance: Autosomal recessive inheritance. Not counted in ClinVar's aggregate classification.
Comment: Likely benign based on allele frequency in 1000 Genomes Project or ESP global frequency and its presence in a patient with a rare or unrelated disease phenotype. NOT Sanger confirmed.

NM_000070.3(CAPN3):c.78G>A (p.Pro26=)

Gene: CAPN3 (calpain 3; plus strand). Cytogenetic location: 15q15.1.
Variant type: single nucleotide variant.
Coding change: c.78G>A on transcript NM_000070.3 (MANE Select); coding-DNA position 78, G replaced by A.
Protein change: p.Pro26=; no amino-acid change (proline 26 retained).
Molecular consequence: synonymous variant.
Genome position (GRCh38, 1-based): chr15:42,359,883, G>A. VCF-style: chr15-42359883-G-A. GRCh37 (hg19) VCF-style: chr15-42652081-G-A.
Other names: p.Pro26=; c.78G>A, p.Pro26= (NM_024344.2, NM_173087.2).
Identifiers: ClinVar variation 128574 (VCV000128574.24), dbSNP rs62642519, ClinGen allele CA152142.
Genomic context (GRCh38, chr15:42,359,883, plus strand): 5'-CGCATCTGTGGCTCCAAGGACAGCGGCTGAGCCCCGGTCCCCAGGGCCAGTTCCTCACCC[G>A]GCCCAGAGCAAGGCCACTGAGGCTGGGGGTGGAAACCCAAGTGGCATCTATTCAGCCATC-3'
Protein context (NP_000061.1, residues 16-36): EPRSPGPVPH[Pro26=]AQSKATEAGG